The following is an entry in ClinVar:

ClinVar aggregate classification (germline): Uncertain significance. Review status: criteria provided, multiple submitters, no conflicts (2 of 4 stars). 2 submissions from 2 submitters: Uncertain significance (2). Last evaluated 2024-11-21.

Allele frequency attached by ClinVar (database versions not stated): TOPMed below 0.00001; ExAC 0.00001; gnomAD 0.00001.
gnomAD v4.1: 7 of 1,613,030 alleles (0.00043%); highest among the groups gnomAD compares: South Asian, 0.0044%; no homozygotes.

Submissions (2):

Ambry Genetics
Classification: Uncertain significance. Last evaluated: 2024-11-21. Review status: criteria provided, single submitter. Criteria: Ambry Variant Classification Scheme 2023. Collection method: clinical testing. Allele origin: germline.

Labcorp Genetics (formerly Invitae), Labcorp
Classification: Uncertain significance. Last evaluated: 2022-08-19. Review status: criteria provided, single submitter. Criteria: Invitae Variant Classification Sherloc (09022015). Collection method: clinical testing. Allele origin: germline.
Comment: In summary, the available evidence is currently insufficient to determine the role of this variant in disease. Therefore, it has been classified as a Variant of Uncertain Significance. Algorithms developed to predict the effect of missense changes on protein structure and function are either unavailable or do not agree on the potential impact of this missense change (SIFT: "Deleterious"; PolyPhen-2: "Probably Damaging"; Align-GVGD: "Class C0"). This variant has not been reported in the literature in individuals affected with RIMS1-related conditions. This variant is present in population databases (rs750342719, gnomAD 0.007%). This sequence change replaces proline, which is neutral and non-polar, with arginine, which is basic and polar, at codon 1145 of the RIMS1 protein (p.Pro1145Arg).

NM_014989.7(RIMS1):c.3434C>G (p.Pro1145Arg)

Gene: RIMS1 (regulating synaptic membrane exocytosis 1; plus strand). Cytogenetic location: 6q13.
Variant type: single nucleotide variant.
Coding change: c.3434C>G on transcript NM_014989.7 (MANE Select); coding-DNA position 3434, C replaced by G.
Protein change: p.Pro1145Arg; replaces proline 1145 with arginine.
Molecular consequence: missense variant. On other transcripts: intron variant (58).
Genome position (GRCh38, 1-based): chr6:72,274,384, C>G. VCF-style: chr6-72274384-C-G. GRCh37 (hg19) VCF-style: chr6-72984087-C-G.
Other names: c.1706+8335C>G (NM_001350458.2); c.1628+8335C>G (NM_001350446.2, NM_001350442.2, NM_001350416.2 and 7 more transcripts); c.1539-9663C>G (NM_001350431.2); c.1565+8335C>G (NM_001350457.2); c.1476-9663C>G (NM_001350460.2, NM_001350426.2); c.3434C>G (NM_014989.4); c.1661C>G, p.Pro554Arg (NM_001350415.2, NM_001350445.2); c.1664C>G, p.Pro555Arg (NM_001350433.2); and 21 more; short protein forms P1145R, P531R, P533R, P554R, P555R.
Identifiers: ClinVar variation 1716824 (VCV001716824.6), dbSNP rs750342719, ClinGen allele CA3886246.
Genomic context (GRCh38, chr6:72,274,384, plus strand): 5'-CCTGTCTTGTTCACTGGGCAAACAGGGGTAGATGGTCCCCCTCCCTAGATAGGAGACGAC[C>G]TCCTAGTCCCAGGATTCAAATCCAGCATGCGTCTCCGGAGAATGACAGGTACTAGTCAAC-3'
Protein context (NP_055804.2, residues 1135-1155): RWSPSLDRRR[Pro1145Arg]PSPRIQIQHA